The following is an entry in ClinVar:

NM_000548.5(TSC2):c.1504C>A (p.His502Asn)

Gene: TSC2 (TSC complex subunit 2; plus strand). Cytogenetic location: 16p13.3.
Variant type: single nucleotide variant.
Coding change: c.1504C>A on transcript NM_000548.5 (MANE Select); coding-DNA position 1504, C replaced by A.
Protein change: p.His502Asn; replaces histidine 502 with asparagine.
Molecular consequence: missense variant.
Genome position (GRCh38, 1-based): chr16:2,064,332, C>A. VCF-style: chr16-2064332-C-A. GRCh37 (hg19) VCF-style: chr16-2114333-C-A.
Other names: c.1504C>A, p.His502Asn (NM_001077183.3, NM_001114382.3, NM_001363528.2 and 3 more transcripts); c.1393C>A, p.His465Asn (NM_001318827.2); c.1357C>A, p.His453Asn (NM_001318829.2); c.904C>A, p.His302Asn (NM_001318831.2); c.1537C>A, p.His513Asn (NM_001318832.2); short protein forms H302N, H502N, H453N, H465N, H513N.
Identifiers: ClinVar variation 836730 (VCV000836730.10), dbSNP rs1567437505, ClinGen allele CA394326069.

ClinVar aggregate classification (germline): Uncertain significance. Review status: criteria provided, multiple submitters, no conflicts (2 of 4 stars). 2 submissions from 2 submitters: Uncertain significance (2). Last evaluated 2024-08-15.

Conditions:
Hereditary cancer-predisposing syndrome. Also called: Neoplastic Syndromes, Hereditary; Hereditary neoplastic syndrome; Tumor predisposition; Hereditary Cancer Syndrome. Identifiers: Orphanet 140162, MedGen C0027672, MeSH D009386, MONDO:0015356.
Tuberous sclerosis 2 (TSC2). Identifiers: Orphanet 805, MedGen C1860707, MONDO:0013199, OMIM 613254.

Submissions (2):

Ambry Genetics
Classification: Uncertain significance for Hereditary cancer-predisposing syndrome. Last evaluated: 2024-08-15. Review status: criteria provided, single submitter. Criteria: Ambry Variant Classification Scheme 2023. Collection method: clinical testing. Allele origin: germline.
Comment: The p.H502N variant (also known as c.1504C>A), located in coding exon 14 of the TSC2 gene, results from a C to A substitution at nucleotide position 1504. The histidine at codon 502 is replaced by asparagine, an amino acid with similar properties. This amino acid position is poorly conserved in available vertebrate species. In addition, this alteration is predicted to be tolerated by in silico analysis. Based on the available evidence, the clinical significance of this variant remains unclear.

Labcorp Genetics (formerly Invitae), Labcorp
Classification: Uncertain significance for Tuberous sclerosis 2. Last evaluated: 2022-03-31. Review status: criteria provided, single submitter. Criteria: Invitae Variant Classification Sherloc (09022015). Collection method: clinical testing. Allele origin: germline.
Comment: This sequence change replaces histidine, which is basic and polar, with asparagine, which is neutral and polar, at codon 502 of the TSC2 protein (p.His502Asn). This variant is not present in population databases (gnomAD no frequency). In summary, the available evidence is currently insufficient to determine the role of this variant in disease. Therefore, it has been classified as a Variant of Uncertain Significance. Advanced modeling of protein sequence and biophysical properties (such as structural, functional, and spatial information, amino acid conservation, physicochemical variation, residue mobility, and thermodynamic stability) performed at Invitae indicates that this missense variant is not expected to disrupt TSC2 protein function. ClinVar contains an entry for this variant (Variation ID: 836730). This variant has not been reported in the literature in individuals affected with TSC2-related conditions.